The following is an entry in ClinVar:

ClinVar aggregate classification (germline): Uncertain significance. Review status: criteria provided, single submitter (1 of 4 stars). 2 submissions from 2 submitters: Uncertain significance (1). 1 of the submissions does not count toward it. Last evaluated 2021-07-14.

Conditions:
Metaphyseal chondrodysplasia, McKusick type (CHH). Also called: Cartilage-Hair Hypoplasia (CHH); Cartilage-hair hypoplasia. Identifiers: Orphanet 175, MedGen C0220748, MONDO:0009595, OMIM 250250.
Anauxetic dysplasia. Identifiers: Orphanet 93347, MedGen C1846796, MONDO:0011773.

Allele frequency attached by ClinVar (database versions not stated): TOPMed 0.00002.

Submissions (2):

Labcorp Genetics (formerly Invitae), Labcorp
Classification: Uncertain significance for Anauxetic dysplasia. Last evaluated: 2021-07-14. Review status: criteria provided, single submitter. Criteria: Invitae Variant Classification Sherloc (09022015). Collection method: clinical testing. Allele origin: germline.
Comment: This variant occurs in the RMRP gene, which encodes an RNA molecule that does not result in a protein product. The frequency data for this variant in the population databases is considered unreliable, as metrics indicate insufficient coverage at this position in the ExAC database. This variant has not been reported in the literature in individuals affected with RMRP-related conditions. Experimental studies and prediction algorithms are not available or were not evaluated, and the functional significance of this variant is currently unknown. In summary, the available evidence is currently insufficient to determine the role of this variant in disease. Therefore, it has been classified as a Variant of Uncertain Significance.

Natera, Inc.
Classification: Uncertain significance for Cartilage-hair hypoplasia. Last evaluated: 2020-07-02. Review status: no assertion criteria provided. Collection method: clinical testing. Allele origin: germline. Not counted in ClinVar's aggregate classification.

NC_000009.12:g.35658025T>A

Gene: RMRP (RNA component of mitochondrial RNA processing endoribonuclease; minus strand). Cytogenetic location: 9p13.3.
Variant type: single nucleotide variant.
Genome position: GRCh38 VCF-style: chr9-35658025-T-A. GRCh37 (hg19) VCF-style: chr9-35658022-T-A.
Identifiers: ClinVar variation 1020871 (VCV001020871.7), dbSNP rs111909453, ClinGen allele CA192745760.